The following is an entry in ClinVar:

NM_000391.4(TPP1):c.898G>A (p.Gly300Arg)

Gene: TPP1 (tripeptidyl peptidase 1; minus strand). Cytogenetic location: 11p15.4.
Variant type: single nucleotide variant.
Coding change: c.898G>A on transcript NM_000391.4 (MANE Select); coding-DNA position 898, G replaced by A.
Protein change: p.Gly300Arg; replaces glycine 300 with arginine.
Molecular consequence: missense variant.
Genome position (GRCh38, 1-based): chr11:6,616,492, C>T on the plus strand (G>A on the coding strand, the complement: TPP1 is on the minus strand). VCF-style: chr11-6616492-C-T. GRCh37 (hg19) VCF-style: chr11-6637723-C-T.
Other names: short protein forms G300R.
Identifiers: ClinVar variation 1047496 (VCV001047496.10), dbSNP rs1564855000, ClinGen allele CA379474694.
Genomic context (GRCh38, chr11:6,616,492, plus strand): 5'-CATGTGGCAGGGCTGACTCATTACTGAGCAGCATGAGCCACTGCAGGAAGGGCTCCTGTC[C>T]CTCATGCCGGCCTGGATTTTTTTTTTTTTTTTTTTTGAGGGATGGGCACAAAGATAGTCA-3'
Protein context (NP_000382.3, residues 290-310): WVYSSPGRHE[Gly300Arg]QEPFLQWLML

ClinVar aggregate classification (germline): Uncertain significance. Review status: criteria provided, single submitter (1 of 4 stars). 2 submissions from 2 submitters: Uncertain significance (1). 1 of the submissions does not count toward it. Last evaluated 2023-09-19.

Conditions:
Neuronal ceroid lipofuscinosis 2. Also called: JANSKY-BIELSCHOWSKY DISEASE NEURONAL CEROID LIPOFUSCINOSIS, LATE INFANTILE; TPP1-Related Neuronal Ceroid-Lipofuscinosis. Identifiers: Orphanet 168491, Orphanet 228349, Orphanet 79264, MedGen C1876161, MONDO:0008769, OMIM 204500.

Allele frequency attached by ClinVar (database versions not stated): gnomAD exomes below 0.00001.

Submissions (2):

Labcorp Genetics (formerly Invitae), Labcorp
Classification: Uncertain significance. Last evaluated: 2023-09-19. Review status: criteria provided, single submitter. Criteria: Invitae Variant Classification Sherloc (09022015). Collection method: clinical testing. Allele origin: germline.
Comment: In summary, the available evidence is currently insufficient to determine the role of this variant in disease. Therefore, it has been classified as a Variant of Uncertain Significance. Advanced modeling of protein sequence and biophysical properties (such as structural, functional, and spatial information, amino acid conservation, physicochemical variation, residue mobility, and thermodynamic stability) performed at Invitae indicates that this missense variant is not expected to disrupt TPP1 protein function. ClinVar contains an entry for this variant (Variation ID: 1047496). This variant has not been reported in the literature in individuals affected with TPP1-related conditions. This variant is not present in population databases (gnomAD no frequency). This sequence change replaces glycine, which is neutral and non-polar, with arginine, which is basic and polar, at codon 300 of the TPP1 protein (p.Gly300Arg).

Natera, Inc.
Classification: Uncertain significance for Neuronal ceroid lipofuscinosis 2. Last evaluated: 2020-11-11. Review status: no assertion criteria provided. Collection method: clinical testing. Allele origin: germline. Not counted in ClinVar's aggregate classification.